The following is an entry in ClinVar:

NM_000548.5(TSC2):c.1708A>T (p.Ile570Phe)

Gene: TSC2 (TSC complex subunit 2; plus strand). Cytogenetic location: 16p13.3.
Variant type: single nucleotide variant.
Coding change: c.1708A>T on transcript NM_000548.5 (MANE Select); coding-DNA position 1708, A replaced by T.
Protein change: p.Ile570Phe; replaces isoleucine 570 with phenylalanine.
Molecular consequence: missense variant. On other transcripts: non-coding transcript variant (5).
Genome position (GRCh38, 1-based): chr16:2,065,627, A>T. VCF-style: chr16-2065627-A-T. GRCh37 (hg19) VCF-style: chr16-2115628-A-T.
Other names: c.1708A>T, p.Ile570Phe (NM_001077183.3, NM_001114382.3, NM_001363528.2 and 6 more transcripts); c.1597A>T, p.Ile533Phe (NM_001318827.2, NM_001406670.1, NM_001406678.1); c.1561A>T, p.Ile521Phe (NM_001318829.2, NM_001406679.1, NM_001406675.1 and 1 more transcripts); c.1108A>T, p.Ile370Phe (NM_001318831.2, NM_001406684.1, NM_001406685.1 and 6 more transcripts); c.1741A>T, p.Ile581Phe (NM_001318832.2); c.1798A>T, p.Ile600Phe (NM_001406667.1, NM_001406668.1); c.1696A>T, p.Ile566Phe (NM_001406671.1, NM_001406673.1); c.364A>T, p.Ile122Phe (NM_001406689.1, NM_001406690.1, NM_001406691.1 and 6 more transcripts); and 3 more; short protein forms I521F, I581F, I600F, I122F, I36F, I416F, I533F, I370F.
Identifiers: ClinVar variation 4825903 (VCV004825903.1).
Genomic context (GRCh38, chr16:2,065,627, plus strand): 5'-GTGGCCGCATACTCGGCCTCCTTGGAGGATGTGAAGACAGCCGTCCTGGGGCTTCTGGTC[A>T]TCCTTCAGGTGGGTGTTCTGCACGAGGCCTCTGCTCCCGGGGCGCGCATGGCTAGCGTCC-3'
Protein context (NP_000539.2, residues 560-580): VKTAVLGLLV[Ile570Phe]LQTKLYTLPA

ClinVar aggregate classification (germline): Uncertain significance (1 of 4 stars; one submission).

Conditions:
Hereditary cancer-predisposing syndrome. Also called: Neoplastic Syndromes, Hereditary; Tumor predisposition; Hereditary Cancer Syndrome; Hereditary neoplastic syndrome. Identifiers: Orphanet 140162, MedGen C0027672, MeSH D009386, MONDO:0015356.

Submission:

Ambry Genetics
Classification: Uncertain significance for Hereditary cancer-predisposing syndrome. Last evaluated: 2026-02-03. Review status: criteria provided, single submitter. Criteria: Ambry Variant Classification Scheme 2023. Collection method: clinical testing. Allele origin: germline.
Comment: The p.I570F variant (also known as c.1708A>T), located in coding exon 15 of the TSC2 gene, results from an A to T substitution at nucleotide position 1708. The isoleucine at codon 570 is replaced by phenylalanine, an amino acid with highly similar properties. This amino acid position is highly conserved in available vertebrate species. In addition, this alteration is predicted to be deleterious by in silico analysis. Based on the available evidence, the clinical significance of this variant remains unclear.